The following is an entry in ClinVar:

NM_005655.4(KLF10):c.605G>A (p.Cys202Tyr)

Gene: KLF10 (KLF transcription factor 10; minus strand). Cytogenetic location: 8q22.3.
Variant type: single nucleotide variant.
Coding change: c.605G>A on transcript NM_005655.4 (MANE Select); coding-DNA position 605, G replaced by A.
Protein change: p.Cys202Tyr; replaces cysteine 202 with tyrosine.
Molecular consequence: missense variant.
Genome position (GRCh38, 1-based): chr8:102,651,727, C>T on the plus strand (G>A on the coding strand, the complement: KLF10 is on the minus strand). VCF-style: chr8-102651727-C-T. GRCh37 (hg19) VCF-style: chr8-103663955-C-T.
Other names: c.572G>A, p.Cys191Tyr (NM_001032282.4); short protein forms C202Y, C191Y.
Identifiers: ClinVar variation 3717716 (VCV003717716.2).
Genomic context (GRCh38, chr8:102,651,727, plus strand): 5'-TCATCAACATCTGCCACTGTGTTTCTCTCACATTTGGATCTGTTTGGTGACACAGCGGCA[C>T]ATGGTATGTTCTTTCTTGCAGCCTCAACATTTAGGTGGGTTCTTCTTCTAAAAGAATTGT-3'
Protein context (NP_005646.1, residues 192-212): NVEAARKNIP[Cys202Tyr]AAVSPNRSKC

ClinVar aggregate classification (germline): Uncertain significance (1 of 4 stars; one submission).

Submission:

Labcorp Genetics (formerly Invitae), Labcorp
Classification: Uncertain significance. Last evaluated: 2024-05-16. Review status: criteria provided, single submitter. Criteria: Invitae Variant Classification Sherloc (09022015). Collection method: clinical testing. Allele origin: germline.
Comment: This sequence change replaces cysteine, which is neutral and slightly polar, with tyrosine, which is neutral and polar, at codon 202 of the KLF10 protein (p.Cys202Tyr). This variant is not present in population databases (gnomAD no frequency). This variant has not been reported in the literature in individuals affected with KLF10-related conditions. An algorithm developed to predict the effect of missense changes on protein structure and function (PolyPhen-2) suggests that this variant is likely to be disruptive. In summary, the available evidence is currently insufficient to determine the role of this variant in disease. Therefore, it has been classified as a Variant of Uncertain Significance.